The following is an entry in ClinVar:

ClinVar aggregate classification (germline): Pathogenic. Review status: criteria provided, multiple submitters, no conflicts (2 of 4 stars). 7 submissions from 7 submitters: Pathogenic (6). 1 of the submissions does not count toward it. Last evaluated 2026-07-08.

Conditions:
TSC1-related disorder. Also called: TSC1-related condition.
Hereditary cancer-predisposing syndrome. Also called: Tumor predisposition; Neoplastic Syndromes, Hereditary; Hereditary neoplastic syndrome; Hereditary Cancer Syndrome. Identifiers: Orphanet 140162, MedGen C0027672, MeSH D009386, MONDO:0015356.
Tuberous sclerosis syndrome (TSC). Also called: Tuberous Sclerosis Complex; Tuberous sclerosis. Identifiers: Orphanet 805, MedGen C0041341, MONDO:0001734.
Tuberous sclerosis 1 (TSC1). Identifiers: Orphanet 805, MedGen C1854465, MONDO:0008612, OMIM 191100.

Allele frequency attached by ClinVar (database versions not stated): gnomAD exomes below 0.00001.
gnomAD v4.1: 1 of 1,614,200 alleles (0.000062%); highest among the groups gnomAD compares: East Asian, 0.0022%; no homozygotes.

Submissions (7):

Cambridge Genomics Laboratory, East Genomic Laboratory Hub, NHS Genomic Medicine Service
Classification: Pathogenic for Tuberous sclerosis. Last evaluated: 2026-07-08. Review status: criteria provided, single submitter. Criteria: ACGS Best Practice Guidelines for Variant Classification in Rare Disease 2020. Collection method: clinical testing. Allele origin: germline. Affected: yes.
Comment: PVS1,PM6

GeneDx
Classification: Pathogenic. Last evaluated: 2024-03-07. Review status: criteria provided, single submitter. Criteria: GeneDx Variant Classification Process June 2021. Collection method: clinical testing. Allele origin: germline. Affected: yes.
Comment: Nonsense variant predicted to result in protein truncation or nonsense mediated decay in a gene for which loss of function is a known mechanism of disease; Not observed at significant frequency in large population cohorts (gnomAD); Also known as c.2184 C>T; This variant is associated with the following publications: (PMID: 25525159, 37149759, 15798777, 10607950, 10533067)

Blueprint Genetics
Classification: Pathogenic for TSC1-related disorders. Last evaluated: 2023-12-05. Review status: criteria provided, single submitter. Criteria: ACMG Guidelines, 2015. Collection method: clinical testing. Allele origin: germline. Affected: yes. Observed: 1 variant allele.

Labcorp Genetics (formerly Invitae), Labcorp
Classification: Pathogenic for Tuberous sclerosis 1. Last evaluated: 2023-09-22. Review status: criteria provided, single submitter. Criteria: Invitae Variant Classification Sherloc (09022015). Collection method: clinical testing. Allele origin: germline.
Comment: ClinVar contains an entry for this variant (Variation ID: 48859). This sequence change creates a premature translational stop signal (p.Gln655*) in the TSC1 gene. It is expected to result in an absent or disrupted protein product. Loss-of-function variants in TSC1 are known to be pathogenic (PMID: 10227394, 17304050). This variant is not present in population databases (gnomAD no frequency). This premature translational stop signal has been observed in individual(s) with tuberous sclerosis complex (PMID: 10533067). This variant is also known as 2184C>T. For these reasons, this variant has been classified as Pathogenic.

Ambry Genetics
Classification: Pathogenic for Hereditary cancer-predisposing syndrome. Last evaluated: 2017-01-19. Review status: criteria provided, single submitter. Criteria: Ambry Variant Classification Scheme 2023. Collection method: clinical testing. Allele origin: germline.
Comment: The p.Q655* pathogenic mutation (also known as c.1963C>T), located in coding exon 13 of the TSC1 gene, results from a C to T substitution at nucleotide position 1963. This changes the amino acid from a glutamine to a stop codon within coding exon 13. This alteration has been identified in a patient meeting diagnostic criteria for tuberous sclerosis complex (TSC) whose parents tested negative for this alteration (Niida Y et al. Hum. Mutat., 1999;14:412-22). In a different study, this alteration was identified as a familial mutation in an individual with a clinical diagnosis of TSC (Yamashita Y et al. Am. J. Med. Genet., 2000 Jan;90:123-6). The alteration is expected to result in loss of function by premature protein truncation or nonsense-mediated mRNA decay. As such, this alteration is interpreted as a disease-causing mutation.

Hauer Lab, Department Of Pediatric Oncology, Technical University Munich
Classification: Pathogenic for Hereditary cancer-predisposing syndrome. Review status: criteria provided, single submitter. Criteria: ACMG Guidelines, 2015. Collection method: research. Allele origin: germline. Inheritance: Autosomal dominant inheritance. Affected: yes. Observed: 1 variant allele.
Comment: ACMG/AMP, PVS1, PM2, PP5

Tuberous sclerosis database (TSC1)
No classification provided. Condition: TSC. Review status: no classification provided. Criteria: Tuberous Sclerosis Database Assertion Criteria 2015. Collection method: curation. Allele origin: germline. Affected: yes. Not counted in ClinVar's aggregate classification.

Literature cited by the submitters: PubMed 10227394 (cited by Labcorp Genetics (formerly Invitae), Labcorp); PubMed 17304050 (cited by Labcorp Genetics (formerly Invitae), Labcorp); PubMed 10533067 (cited by Labcorp Genetics (formerly Invitae), Labcorp and Ambry Genetics); PubMed 10607950 (cited by Ambry Genetics); PubMed 37149759 (cited by Hauer Lab, Department Of Pediatric Oncology, Technical University Munich).

NM_000368.5(TSC1):c.1963C>T (p.Gln655Ter)

Gene: TSC1 (TSC complex subunit 1; minus strand). Cytogenetic location: 9q34.13.
Variant type: single nucleotide variant.
Coding change: c.1963C>T on transcript NM_000368.5 (MANE Select); coding-DNA position 1963, C replaced by T.
Protein change: p.Gln655Ter; replaces glutamine 655 with a stop codon.
Molecular consequence: nonsense.
Genome position (GRCh38, 1-based): chr9:132,905,615, G>A on the plus strand (C>T on the coding strand, the complement: TSC1 is on the minus strand). VCF-style: chr9-132905615-G-A. GRCh37 (hg19) VCF-style: chr9-135781002-G-A.
Other names: p.Q655*:CAG>TAG; c.1960C>T, p.Gln654Ter (NM_001162426.2); c.1810C>T, p.Gln604Ter (NM_001162427.2); c.1600C>T, p.Gln534Ter (NM_001362177.2); short protein forms Q655*, Q534*, Q604*, Q654*.
Identifiers: ClinVar variation 48859 (VCV000048859.11), dbSNP rs118203606, ClinGen allele CA005663.
Genomic context (GRCh38, chr9:132,905,615, plus strand): 5'-CAGAAGAGAGTGCCCCAGTCCCTTACTTGTTCAGCTCCTTGCTGTGCGCGTCTGCTCCCT[G>A]CTGTATCAGTCTGTCCAGCACTTCCATTGGGGAGGTAGAGGGCACACCATCTTCCTCTGT-3'